The following is an entry in ClinVar:

ClinVar aggregate classification (germline): Uncertain significance (1 of 4 stars; one submission).

Conditions:
Hereditary cancer-predisposing syndrome. Also called: Neoplastic Syndromes, Hereditary; Tumor predisposition; Hereditary neoplastic syndrome; Hereditary Cancer Syndrome. Identifiers: Orphanet 140162, MedGen C0027672, MeSH D009386, MONDO:0015356.

Submission:

Ambry Genetics
Classification: Uncertain significance for Hereditary cancer-predisposing syndrome. Last evaluated: 2018-08-29. Review status: criteria provided, single submitter. Criteria: Ambry Variant Classification Scheme 2023. Collection method: clinical testing. Allele origin: germline.
Comment: The p.G257E variant (also known as c.770G>A), located in coding exon 6 of the STK11 gene, results from a G to A substitution at nucleotide position 770. The glycine at codon 257 is replaced by glutamic acid, an amino acid with similar properties. This amino acid position is highly conserved in available vertebrate species. In addition, this alteration is predicted to be deleterious by in silico analysis. Since supporting evidence is limited at this time, the clinical significance of this alteration remains unclear.

NM_000455.5(STK11):c.770G>A (p.Gly257Glu)

Gene: STK11 (serine/threonine kinase 11; plus strand). Cytogenetic location: 19p13.3.
Variant type: single nucleotide variant.
Coding change: c.770G>A on transcript NM_000455.5 (MANE Select); coding-DNA position 770, G replaced by A.
Protein change: p.Gly257Glu; replaces glycine 257 with glutamic acid.
Molecular consequence: missense variant.
Genome position (GRCh38, 1-based): chr19:1,221,248, G>A. VCF-style: chr19-1221248-G-A. GRCh37 (hg19) VCF-style: chr19-1221247-G-A.
Other names: short protein forms G257E.
Identifiers: ClinVar variation 827213 (VCV000827213.4), dbSNP rs1555738634, ClinGen allele CA402950430.
Genomic context (GRCh38, chr19:1,221,248, plus strand): 5'-TTTCTTCCCTCCCCTCGAAATGAAGCTACAACATCACCACGGGTCTGTACCCCTTCGAAG[G>A]GGACAACATCTACAAGTTGTTTGAGAACATCGGGAAGGGGAGCTACGCCATCCCGGGCGA-3'
Protein context (NP_000446.1, residues 247-267): NITTGLYPFE[Gly257Glu]DNIYKLFENI